The following is an entry in ClinVar:

ClinVar aggregate classification (germline): Uncertain significance (1 of 4 stars; one submission).

Submission:

GeneDx
Classification: Uncertain significance. Last evaluated: 2024-11-20. Review status: criteria provided, single submitter. Criteria: GeneDx Variant Classification Process June 2021. Collection method: clinical testing. Allele origin: germline. Affected: yes.
Comment: Not observed at significant frequency in large population cohorts (gnomAD); In silico analysis supports that this missense variant has a deleterious effect on protein structure/function; Has not been previously published as pathogenic or benign to our knowledge

NM_006940.6(SOX5):c.1315A>T (p.Ser439Cys)

Gene: SOX5 (SRY-box transcription factor 5; minus strand). Cytogenetic location: 12p12.1.
Variant type: single nucleotide variant.
Coding change: c.1315A>T on transcript NM_006940.6 (MANE Select); coding-DNA position 1315, A replaced by T.
Protein change: p.Ser439Cys; replaces serine 439 with cysteine.
Molecular consequence: missense variant. On other transcripts: intron variant (1).
Genome position (GRCh38, 1-based): chr12:23,575,688, T>A on the plus strand (A>T on the coding strand, the complement: SOX5 is on the minus strand). VCF-style: chr12-23575688-T-A. GRCh37 (hg19) VCF-style: chr12-23728622-T-A.
Other names: c.1285A>T, p.Ser429Cys (NM_001261415.3); c.1210A>T, p.Ser404Cys (NM_001330785.2); c.1276A>T, p.Ser426Cys (NM_152989.5); c.157A>T, p.Ser53Cys (NM_178010.4); c.1125+28699A>T (NM_001261414.3); short protein forms S404C, S426C, S429C, S439C, S53C.
Identifiers: ClinVar variation 3900568 (VCV003900568.1).